The following is an entry in ClinVar:

NM_018646.6(TRPV6):c.1920C>T (p.Thr640=)

Gene: TRPV6 (transient receptor potential cation channel subfamily V member 6; minus strand). Cytogenetic location: 7q34.
Variant type: single nucleotide variant.
Coding change: c.1920C>T on transcript NM_018646.6 (MANE Select); coding-DNA position 1920, C replaced by T.
Protein change: p.Thr640=; no amino-acid change (threonine 640 retained).
Molecular consequence: synonymous variant.
Genome position (GRCh38, 1-based): chr7:142,872,467, G>A on the plus strand (C>T on the coding strand, the complement: TRPV6 is on the minus strand). VCF-style: chr7-142872467-G-A. GRCh37 (hg19) VCF-style: chr7-142570220-G-A.
Other names: c.1920C>T (NM_018646.5).
Identifiers: ClinVar variation 2855576 (VCV002855576.5), dbSNP rs4987677, ClinGen allele CA4532370.
Genomic context (GRCh38, chr7:142,872,467, plus strand): 5'-TCCGCAGATCCCGGAGCGAGGCCACAGGCAGCGAGGCAGCTTCCGCTCCAGCATCACTGT[G>A]GTGGCCACAATCTGCGTATGGGAACAAAAGGAGAAGTCAGAGATGAGGCTGGGCGCAGAC-3'
Protein context (NP_061116.5, residues 630-650): DELWRAQIVA[Thr640=]TVMLERKLPR

ClinVar aggregate classification (germline): Benign. Review status: criteria provided, single submitter (1 of 4 stars). 2 submissions from 2 submitters: Benign (1). 1 of the submissions does not count toward it. Last evaluated 2026-02-03.

Conditions:
TRPV6-related disorder. Also called: TRPV6-related condition.

Allele frequency attached by ClinVar (database versions not stated): gnomAD exomes 0.00088; ExAC 0.00329; ESP Exome Variant Server 0.01077; 1000 Genomes Project 0.01158; gnomAD 0.01000; TOPMed 0.01126; 1000 Genomes Project 30x 0.01280.
gnomAD v4.1: 2,858 of 1,613,508 alleles (0.18%); highest among the groups gnomAD compares: African/African-American, 3.4%; 37 homozygotes.

Submissions (2):

Labcorp Genetics (formerly Invitae), Labcorp
Classification: Benign. Last evaluated: 2026-02-03. Review status: criteria provided, single submitter. Criteria: Invitae Variant Classification Sherloc (09022015). Collection method: clinical testing. Allele origin: germline.

PreventionGenetics, part of Exact Sciences
Classification: Benign for TRPV6-related condition. Last evaluated: 2019-03-22. Review status: no assertion criteria provided. Collection method: clinical testing. Allele origin: germline. Not counted in ClinVar's aggregate classification.
Comment: This variant is classified as benign based on ACMG/AMP sequence variant interpretation guidelines (Richards et al. 2015 PMID: 25741868, with internal and published modifications).